The following is an entry in ClinVar:

ClinVar aggregate classification (germline): Uncertain significance (1 of 4 stars; one submission).

Allele frequency attached by ClinVar (database versions not stated): gnomAD exomes below 0.00001.
gnomAD v4.1: 3 of 1,588,246 alleles (0.00019%); highest among the groups gnomAD compares: Non-Finnish European, 0.00026%; no homozygotes.

Submissions (2):

Labcorp Genetics (formerly Invitae), Labcorp
Classification: Uncertain significance. Last evaluated: 2022-01-11. Review status: criteria provided, single submitter. Criteria: Invitae Variant Classification Sherloc (09022015). Collection method: clinical testing. Allele origin: germline.
Comment: In summary, the available evidence is currently insufficient to determine the role of this variant in disease. Therefore, it has been classified as a Variant of Uncertain Significance. Variants that disrupt the consensus splice site are a relatively common cause of aberrant splicing (PMID: 17576681, 9536098). Algorithms developed to predict the effect of sequence changes on RNA splicing suggest that this variant may disrupt the consensus splice site. This variant has not been reported in the literature in individuals affected with AP3D1-related conditions. This variant is not present in population databases (gnomAD no frequency). This sequence change falls in intron 12 of the AP3D1 gene. It does not directly change the encoded amino acid sequence of the AP3D1 protein. It affects a nucleotide within the consensus splice site.

Dr. Peter K. Rogan Lab, Western University
No classification provided (evidence only). Condition: Hepatocellular carcinoma. Review status: no classification provided. Collection method: in vitro. Allele origin: not applicable. Functional consequence: retained intron. Not counted in ClinVar's aggregate classification.

Literature cited by the submitters: PubMed 17576681 (cited by Labcorp Genetics (formerly Invitae), Labcorp); PubMed 9536098 (cited by Labcorp Genetics (formerly Invitae), Labcorp).

NM_001261826.3(AP3D1):c.1101+5G>A

Gene: AP3D1 (adaptor related protein complex 3 subunit delta 1; minus strand). Cytogenetic location: 19p13.3.
Variant type: single nucleotide variant.
Coding change: c.1101+5G>A on transcript NM_001261826.3 (MANE Select); 5 bases into the intron after coding-DNA position 1101, G replaced by A.
Molecular consequence: intron variant.
Genome position (GRCh38, 1-based): chr19:2,121,729, C>T on the plus strand (G>A on the coding strand, the complement: AP3D1 is on the minus strand). VCF-style: chr19-2121729-C-T. GRCh37 (hg19) VCF-style: chr19-2121728-C-T.
Other names: c.1101+5G>A (NM_003938.8, NM_001374799.1).
Identifiers: ClinVar variation 2080134 (VCV002080134.5), dbSNP rs1221511924, ClinGen allele CA631305160.